The following is an entry in ClinVar:

ClinVar aggregate classification (germline): Likely benign. Review status: criteria provided, multiple submitters, no conflicts (2 of 4 stars). 2 submissions from 2 submitters: Likely benign (2). Last evaluated 2017-04-27.

Conditions:
Troyer syndrome (SPG20). Identifiers: Orphanet 101000, MedGen C0393559, MONDO:0010156, OMIM 275900.

Allele frequency attached by ClinVar (database versions not stated): gnomAD exomes 0.19426; gnomAD 0.23719 and 0.24327; TOPMed 0.24149; 1000 Genomes Project 30x 0.28279; 1000 Genomes Project 0.28694.
gnomAD v4.1: 37,203 of 153,214 alleles (24%); highest among the groups gnomAD compares: East Asian, 51%; 4,935 homozygotes.

Submissions (2):

Illumina Laboratory Services, Illumina
Classification: Likely benign for Troyer syndrome. Last evaluated: 2017-04-27. Review status: criteria provided, single submitter. Criteria: ICSL Variant Classification Criteria 13 December 2019. Collection method: clinical testing. Allele origin: germline.
Comment: This variant was observed as part of a predisposition screen in an ostensibly healthy population. A literature search was performed for the gene, cDNA change, and amino acid change (where applicable). No publications were found based on this search. Allele frequency data from public databases allowed determination this variant is unlikely to cause disease. Therefore, this variant is classified as likely benign.

Breakthrough Genomics
Classification: Likely benign. Review status: criteria provided, single submitter. Criteria: ACMG Guidelines, 2015. Collection method: not provided. Allele origin: germline. Inheritance: Autosomal recessive inheritance. Affected: yes.

NM_015087.5(SPART):c.*608C>T

Gene: SPART (spartin; minus strand). Cytogenetic location: 13q13.3.
Variant type: single nucleotide variant.
Coding change: c.*608C>T on transcript NM_015087.5 (MANE Select); 608 bases downstream of the stop codon, C replaced by T.
Molecular consequence: 3 prime UTR variant.
Genome position (GRCh38, 1-based): chr13:36,303,757, G>A on the plus strand (C>T on the coding strand, the complement: SPART is on the minus strand). VCF-style: chr13-36303757-G-A. GRCh37 (hg19) VCF-style: chr13-36877894-G-A.
Other names: c.*608C>T (NM_001142294.2, NM_001142295.2, NM_001142296.2).
Identifiers: ClinVar variation 311758 (VCV000311758.6), dbSNP rs1054144, ClinGen allele CA10644209.